The following is an entry in ClinVar:

ClinVar aggregate classification (germline): Uncertain significance (1 of 4 stars; one submission).

Conditions:
Thyroid hormone resistance, generalized, autosomal dominant (GRTHD). Also called: HYPERTHYROXINEMIA, FAMILIAL EUTHYROID, SECONDARY TO PITUITARY AND PERIPHERAL RESISTANCE TO THYROID HORMONES. Identifiers: MedGen C2937288, MONDO:0008569, OMIM 188570.

Submission:

Neuberg Centre For Genomic Medicine, NCGM
Classification: Uncertain significance for Thyroid hormone resistance, generalized, autosomal dominant. Review status: criteria provided, single submitter. Criteria: ACMG Guidelines, 2015. Collection method: clinical testing. Allele origin: germline. Affected: yes.
Comment: The missense variant p.P452T in THRB (NM_001354712.2) has not been reported previously as a pathogenic variant nor as a benign variant, to our knowledge. The p.P452T variant is novel (not in any individuals) in gnomAD Exomes and is novel (not in any individuals) in 1000 Genomes. The p.P452T missense variant is predicted to be damaging by both SIFT and PolyPhen2. The proline residue at codon 452 of THRB is conserved in all mammalian species. The nucleotide c.1354 in THRB is predicted conserved by GERP++ and PhyloP across 100 vertebrates. For these reasons, this variant has been classified as Uncertain Significance.

NM_001354712.2(THRB):c.1354C>A (p.Pro452Thr)

Gene: THRB (thyroid hormone receptor beta; minus strand). Cytogenetic location: 3p24.2.
Variant type: single nucleotide variant.
Coding change: c.1354C>A on transcript NM_001354712.2 (MANE Select); coding-DNA position 1354, C replaced by A.
Protein change: p.Pro452Thr; replaces proline 452 with threonine.
Molecular consequence: missense variant.
Genome position (GRCh38, 1-based): chr3:24,122,916, G>T on the plus strand (C>A on the coding strand, the complement: THRB is on the minus strand). VCF-style: chr3-24122916-G-T. GRCh37 (hg19) VCF-style: chr3-24164407-G-T.
Other names: c.1354C>A, p.Pro452Thr (NM_000461.5, NM_001128176.3, NM_001128177.2 and 11 more transcripts); c.1261C>A, p.Pro421Thr (NM_001354714.2, NM_001354715.2); c.1183C>A, p.Pro395Thr (NM_001374827.1); short protein forms P395T, P421T, P452T.
Identifiers: ClinVar variation 1339006 (VCV001339006.2), dbSNP rs2148780678, ClinGen allele CA351886503.